The following is an entry in ClinVar:

ClinVar aggregate classification (germline): Pathogenic/Likely pathogenic. Review status: criteria provided, multiple submitters, no conflicts (2 of 4 stars). 3 submissions from 3 submitters: Pathogenic (1); Likely pathogenic (2). Last evaluated 2024-01-12.

Conditions:
Duchenne muscular dystrophy (DMD). Also called: Duchenne Muscular Dystrophy (DMD); MUSCULAR DYSTROPHY, PSEUDOHYPERTROPHIC PROGRESSIVE, DUCHENNE TYPE. Identifiers: Orphanet 98896, MedGen C0013264, MONDO:0010679, OMIM 310200.
Neuromuscular disease caused by qualitative or quantitative defects of dystrophin. Also called: Qualitative or quantitative defects of dystrophin. Identifiers: Orphanet 207085, MedGen C5679787, MONDO:0016147.

Submissions (3):

Revvity Omics, Revvity
Classification: Likely pathogenic. Last evaluated: 2024-01-12. Review status: criteria provided, single submitter. Criteria: ACMG Guidelines, 2015. Collection method: clinical testing. Allele origin: germline.

Women's Health and Genetics/Laboratory Corporation of America, LabCorp
Classification: Likely pathogenic for Dystrophinopathies. Last evaluated: 2020-05-21. Review status: criteria provided, single submitter. Criteria: LabCorp Variant Classification Summary - May 2015. Collection method: clinical testing. Allele origin: germline.
Comment: Variant summary: DMD c.8596_8600delCTTGA (p.Leu2866AspfsX27) results in a premature termination codon, predicted to cause a truncation of the encoded protein or absence of the protein due to nonsense mediated decay, which are commonly known mechanisms for disease. The variant was absent in 182912 control chromosomes (gnomAD). To our knowledge, no occurrence of c.8596_8600delCTTGA in individuals affected with Dystrophinopathies and no experimental evidence demonstrating its impact on protein function have been reported. A ClinVar submitter (evaluation after 2014) cites the variant as pathogenic. Based on the evidence outlined above, the variant was classified as likely pathogenic.

Labcorp Genetics (formerly Invitae), Labcorp
Classification: Pathogenic for Duchenne muscular dystrophy. Last evaluated: 2019-12-03. Review status: criteria provided, single submitter. Criteria: Invitae Variant Classification Sherloc (09022015). Collection method: clinical testing. Allele origin: germline.
Comment: For these reasons, this variant has been classified as Pathogenic. Loss-of-function variants in DMD are known to be pathogenic (PMID: 16770791, 25007885). This variant has not been reported in the literature in individuals with DMD-related conditions. This variant is not present in population databases (ExAC no frequency). This sequence change creates a premature translational stop signal (p.Leu2866Aspfs*27) in the DMD gene. It is expected to result in an absent or disrupted protein product.

Literature cited by the submitters: PubMed 16770791 (cited by Labcorp Genetics (formerly Invitae), Labcorp); PubMed 25007885 (cited by Labcorp Genetics (formerly Invitae), Labcorp).

NM_004006.3(DMD):c.8596_8600del (p.Leu2866fs)

Gene: DMD (dystrophin; minus strand). Cytogenetic location: Xp21.2.
Variant type: Deletion.
Coding change: c.8596_8600del on transcript NM_004006.3 (MANE Select); coding-DNA positions 8596 to 8600, 5 bases deleted (CTTGA; older notation c.8596_8600delCTTGA).
Protein change: p.Leu2866fs; shifts the reading frame from leucine 2866.
Molecular consequence: frameshift variant.
Genome position (GRCh38, 1-based): chrX:31,479,051-31,479,055, TCAAG deleted on the plus strand (CTTGA on the coding strand, the reverse complement: DMD is on the minus strand). VCF-style (leftmost placement, unchanged base first): chrX-31479050-CTCAAG-C. GRCh37 (hg19) VCF-style: chrX-31497167-CTCAAG-C.
Other names: c.8572_8576del, p.Leu2858fs (NM_000109.4); c.8584_8588del, p.Leu2862fs (NM_004009.3); c.8227_8231del, p.Leu2743fs (NM_004010.3); c.4573_4577del, p.Leu1525fs (NM_004011.4); c.4564_4568del, p.Leu1522fs (NM_004012.4); c.1216_1220del, p.Leu406fs (NM_004013.3, NM_004020.4, NM_004021.3 and 2 more transcripts); c.409_413del, p.Leu137fs (NM_004014.3); c.8596_8600delCTTGA (NM_004006.2); short protein forms L2858fs, L2862fs, L406fs, L137fs, L1525fs, L1522fs, L2743fs, L2866fs.
Identifiers: ClinVar variation 840099 (VCV000840099.10), dbSNP rs2068038543, ClinGen allele CA916081250.